The following is an entry in ClinVar:

ClinVar aggregate classification (germline): Pathogenic (1 of 4 stars; one submission).

Submission:

Labcorp Genetics (formerly Invitae), Labcorp
Classification: Pathogenic. Last evaluated: 2022-07-06. Review status: criteria provided, single submitter. Criteria: Invitae Variant Classification Sherloc (09022015). Collection method: clinical testing. Allele origin: germline.
Comment: For these reasons, this variant has been classified as Pathogenic. Algorithms developed to predict the effect of sequence changes on RNA splicing suggest that this variant may create or strengthen a splice site. ClinVar contains an entry for this variant (Variation ID: 1432843). This variant has not been reported in the literature in individuals affected with ABCA4-related conditions. This variant is not present in population databases (gnomAD no frequency). This sequence change creates a premature translational stop signal (p.Ile2218Serfs*29) in the ABCA4 gene. It is expected to result in an absent or disrupted protein product. Loss-of-function variants in ABCA4 are known to be pathogenic (PMID: 10958761, 24938718, 25312043, 26780318).

Literature cited by the submitters: PubMed 10958761; PubMed 24938718; PubMed 25312043; PubMed 26780318.

NM_000350.3(ABCA4):c.6651del (p.Ile2218fs)

Gene: ABCA4 (ATP binding cassette subfamily A member 4; minus strand). Cytogenetic location: 1p22.1.
Variant type: Deletion.
Coding change: c.6651del on transcript NM_000350.3 (MANE Select); coding-DNA position 6651, one base deleted (G; older notation c.6651delG).
Protein change: p.Ile2218fs; shifts the reading frame from isoleucine 2218.
Molecular consequence: frameshift variant.
Genome position (GRCh38, 1-based): chr1:93,997,939, C deleted on the plus strand (G on the coding strand, the reverse complement: ABCA4 is on the minus strand); the first of 2 consecutive C bases (chr1:93,997,939-93,997,940); deleting either gives the same sequence. VCF-style (leftmost placement, unchanged base first): chr1-93997938-TC-T. GRCh37 (hg19) VCF-style: chr1-94463494-TC-T.
Other names: c.6428delG, p.Ile2144Serfs (NM_001425324.1); short protein forms I2218fs.
Identifiers: ClinVar variation 1432843 (VCV001432843.6), dbSNP rs2100987980, ClinGen allele CA2573132761.